The following is an entry in ClinVar:

ClinVar aggregate classification (germline): Likely benign. Review status: criteria provided, multiple submitters, no conflicts (2 of 4 stars). 2 submissions from 2 submitters: Likely benign (2). Last evaluated 2025-04-23.

Allele frequency attached by ClinVar (database versions not stated): gnomAD 0.00001 and 0.00002; ExAC 0.00003; gnomAD exomes 0.00003; TOPMed 0.00003.
gnomAD v4.1: 53 of 1,613,804 alleles (0.0033%); highest among the groups gnomAD compares: Middle Eastern, 0.082%; no homozygotes.

Submissions (2):

Labcorp Genetics (formerly Invitae), Labcorp
Classification: Likely benign. Last evaluated: 2025-04-23. Review status: criteria provided, single submitter. Criteria: Invitae Variant Classification Sherloc (09022015). Collection method: clinical testing. Allele origin: germline.

CeGaT Center for Human Genetics Tuebingen
Classification: Likely benign. Last evaluated: 2023-12-01. Review status: criteria provided, single submitter. Criteria: CeGaT Center For Human Genetics Tuebingen Variant Classification Criteria Version 2. Collection method: clinical testing. Allele origin: germline. Affected: yes. Observed: 4 variant alleles.
Comment: CLTC: BP4, BS2

NM_004859.4(CLTC):c.2077C>T (p.Leu693=)

Gene: CLTC (clathrin heavy chain; plus strand). Cytogenetic location: 17q23.1.
Variant type: single nucleotide variant.
Coding change: c.2077C>T on transcript NM_004859.4 (MANE Select); coding-DNA position 2077, C replaced by T.
Protein change: p.Leu693=; no amino-acid change (leucine 693 retained).
Molecular consequence: synonymous variant.
Genome position (GRCh38, 1-based): chr17:59,666,926, C>T. VCF-style: chr17-59666926-C-T. GRCh37 (hg19) VCF-style: chr17-57744287-C-T.
Other names: c.2089C>T, p.Leu697= (NM_001288653.2).
Identifiers: ClinVar variation 1675681 (VCV001675681.38), dbSNP rs559222283, ClinGen allele CA8681337.